The following is an entry in ClinVar:

NM_001267550.2(TTN):c.71299C>T (p.Arg23767Trp)

Genes: TTN (titin; minus strand), TTN-AS1 (TTN antisense RNA 1; plus strand). Cytogenetic location: 2q31.2.
Variant type: single nucleotide variant.
Coding change: c.71299C>T on transcript NM_001267550.2 (MANE Select); coding-DNA position 71299, C replaced by T.
Protein change: p.Arg23767Trp; replaces arginine 23767 with tryptophan.
Molecular consequence: missense variant.
Genome position (GRCh38, 1-based): chr2:178,574,833, G>A on the plus strand (C>T on the coding strand, the complement: TTN is on the minus strand). VCF-style: chr2-178574833-G-A. GRCh37 (hg19) VCF-style: chr2-179439560-G-A.
Other names: c.66376C>T, p.Arg22126Trp (NM_001256850.1); c.44104C>T, p.Arg14702Trp (NM_003319.4); c.63595C>T, p.Arg21199Trp (NM_133378.4); c.44479C>T, p.Arg14827Trp (NM_133432.3); c.44680C>T, p.Arg14894Trp (NM_133437.4); short protein forms R22126W, R14702W, R14827W, R14894W, R23767W, R21199W.
Identifiers: ClinVar variation 4993649 (VCV004993649.1).

ClinVar aggregate classification (germline): Uncertain significance (1 of 4 stars; one submission).

Conditions:
TTN-related disorder. Also called: TTN-related disorders; TTN-related condition; TTN-related disease.

gnomAD v4.1: 9 of 1,612,888 alleles (0.00056%); highest among the groups gnomAD compares: African/African-American, 0.004%; no homozygotes.

Submission:

PreventionGenetics, part of Exact Sciences
Classification: Uncertain significance for TTN-related condition. Last evaluated: 2025-10-15. Review status: criteria provided, single submitter. Criteria: ACMG Guidelines, 2015. Collection method: clinical testing. Allele origin: germline.
Comment: The TTN c.71299C>T variant is predicted to result in the amino acid substitution p.Arg23767Trp. This variant has been reported as a variant of uncertain significance in an individual with hypertrophic cardiomyopathy (described as p.Arg22126Trp, Filatova et al. 2021. PubMed ID: 34598319). This variant is reported in 0.0065% of alleles in individuals of African descent in gnomAD. At this time, the clinical significance of this variant is uncertain due to the absence of conclusive functional and genetic evidence.